The following is an entry in ClinVar:

NM_053024.4(PFN2):c.300T>C (p.Asn100=)

Gene: PFN2 (profilin 2; minus strand). Cytogenetic location: 3q25.1.
Variant type: single nucleotide variant.
Coding change: c.300T>C on transcript NM_053024.4 (MANE Select); coding-DNA position 300, T replaced by C.
Protein change: p.Asn100=; no amino-acid change (asparagine 100 retained).
Molecular consequence: synonymous variant.
Genome position (GRCh38, 1-based): chr3:149,968,383, A>G on the plus strand (T>C on the coding strand, the complement: PFN2 is on the minus strand). VCF-style: chr3-149968383-A-G. GRCh37 (hg19) VCF-style: chr3-149686170-A-G.
Other names: c.300T>C, p.Asn100= (NM_002628.5).
Identifiers: ClinVar variation 2654226 (VCV002654226.24), dbSNP rs771703291, ClinGen allele CA2663290.
Genomic context (GRCh38, chr3:149,968,383, plus strand): 5'-GCATGCAACTTTAACCAAAAGAATGCCTTACTCACCTCTACCAGCTCTGCCGACAGCCAC[A>G]TTGTATGTTGGCTCCCCACCTTGACTCTTTGTCCGGATGTCCATTGTGCAGTCACCATCG-3'
Protein context (NP_444252.1, residues 90-110): TKSQGGEPTY[Asn100=]VAVGRAGRVL

ClinVar aggregate classification (germline): Likely benign (1 of 4 stars; one submission).

Allele frequency attached by ClinVar (database versions not stated): TOPMed below 0.00001; gnomAD exomes 0.00003; gnomAD 0.00004; ExAC 0.00007.
gnomAD v4.1: 60 of 1,613,932 alleles (0.0037%); highest among the groups gnomAD compares: Middle Eastern, 0.066%; no homozygotes.

Submission:

CeGaT Center for Human Genetics Tuebingen
Classification: Likely benign. Last evaluated: 2022-03-01. Review status: criteria provided, single submitter. Criteria: CeGaT Center For Human Genetics Tuebingen Variant Classification Criteria Version 2. Collection method: clinical testing. Allele origin: germline. Affected: yes. Observed: 1 variant allele.
Comment: PFN2: BP4, BP7